The following is an entry in ClinVar:

ClinVar aggregate classification (germline): Likely benign. Review status: criteria provided, single submitter (1 of 4 stars). 2 submissions from 2 submitters: Likely benign (1). 1 of the submissions does not count toward it. Last evaluated 2024-07-25.

Conditions:
TSFM-related disorder. Also called: TSFM-related condition.

Allele frequency attached by ClinVar (database versions not stated): gnomAD exomes 0.00001 and 0.00002; ExAC 0.00006.
gnomAD v4.1: 15 of 1,591,262 alleles (0.00094%); highest among the groups gnomAD compares: South Asian, 0.017%; no homozygotes.

Submissions (2):

Labcorp Genetics (formerly Invitae), Labcorp
Classification: Likely benign. Last evaluated: 2024-07-25. Review status: criteria provided, single submitter. Criteria: Invitae Variant Classification Sherloc (09022015). Collection method: clinical testing. Allele origin: germline.

PreventionGenetics, part of Exact Sciences
Classification: Likely benign for TSFM-related condition. Last evaluated: 2021-02-11. Review status: no assertion criteria provided. Collection method: clinical testing. Allele origin: germline. Not counted in ClinVar's aggregate classification.
Comment: This variant is classified as likely benign based on ACMG/AMP sequence variant interpretation guidelines (Richards et al. 2015 PMID: 25741868, with internal and published modifications).

NM_005726.6(TSFM):c.57+7A>G

Gene: TSFM (Ts translation elongation factor, mitochondrial; plus strand). Cytogenetic location: 12q14.1.
Variant type: single nucleotide variant.
Coding change: c.57+7A>G on transcript NM_005726.6 (MANE Select); 7 bases into the intron after coding-DNA position 57, A replaced by G.
Molecular consequence: intron variant.
Genome position (GRCh38, 1-based): chr12:57,782,865, A>G. VCF-style: chr12-57782865-A-G. GRCh37 (hg19) VCF-style: chr12-58176648-A-G.
Other names: c.57+7A>G (NM_001172697.2, NM_001172696.2, NM_001172695.2 and 1 more transcripts).
Identifiers: ClinVar variation 1108879 (VCV001108879.11), dbSNP rs776948504, ClinGen allele CA6659188.